The following is an entry in ClinVar:

NM_012062.5(DNM1L):c.251-1498C>T

Gene: DNM1L (dynamin 1L; plus strand). Cytogenetic location: 12p11.21.
Variant type: single nucleotide variant.
Coding change: c.251-1498C>T on transcript NM_012062.5 (MANE Select); 1498 bases into the intron before coding-DNA position 251, C replaced by T.
Molecular consequence: intron variant.
Genome position (GRCh38, 1-based): chr12:32,705,869, C>T. VCF-style: chr12-32705869-C-T. GRCh37 (hg19) VCF-style: chr12-32858803-C-T.
Other names: c.289+6C>T (NM_001278464.1, NM_001278464.2, NM_001278465.2 and 1 more transcripts); c.84+6C>T (NM_001278466.2); c.251-1498C>T (NM_001278463.2, NM_012063.4, NM_005690.5).
Identifiers: ClinVar variation 4916101 (VCV004916101.2).

ClinVar aggregate classification (germline): Likely benign. Review status: criteria provided, multiple submitters, no conflicts (2 of 4 stars). 2 submissions from 2 submitters: Likely benign (2). Last evaluated 2024-12-31.

Conditions:
DNM1L-related disorder. Also called: DNM1L-related condition.

gnomAD v4.1: 158 of 1,597,604 alleles (0.0099%); highest among the groups gnomAD compares: Middle Eastern, 0.12%; 1 homozygote.

Submissions (2):

PreventionGenetics, part of Exact Sciences
Classification: Likely benign for DNM1L-related condition. Last evaluated: 2024-12-31. Review status: criteria provided, single submitter. Criteria: ACMG Guidelines, 2015. Collection method: clinical testing. Allele origin: germline.
Comment: This variant is classified as likely benign based on ACMG/AMP sequence variant interpretation guidelines (Richards et al. 2015 PMID: 25741868, with internal and published modifications).

Blueprint Genetics
Classification: Likely benign. Last evaluated: 2024-03-11. Review status: criteria provided, single submitter. Criteria: ACMG Guidelines, 2015. Collection method: clinical testing. Allele origin: germline.